The following is an entry in ClinVar:

NM_001365951.3(KIF1B):c.2675+3A>G

Gene: KIF1B (kinesin family member 1B; plus strand). Cytogenetic location: 1p36.22.
Variant type: single nucleotide variant.
Coding change: c.2675+3A>G on transcript NM_001365951.3 (MANE Select); 3 bases into the intron after coding-DNA position 2675, A replaced by G.
Molecular consequence: intron variant.
Genome position (GRCh38, 1-based): chr1:10,324,898, A>G. VCF-style: chr1-10324898-A-G. GRCh37 (hg19) VCF-style: chr1-10384956-A-G.
Other names: c.2537+3A>G (NM_015074.3); c.2675+3A>G (NM_001365952.1).
Identifiers: ClinVar variation 570523 (VCV000570523.21), dbSNP rs200684032, ClinGen allele CA581577.

ClinVar aggregate classification (germline): Conflicting classifications of pathogenicity. Review status: criteria provided, conflicting classifications (1 of 4 stars). 7 submissions from 7 submitters: Uncertain significance (3); Likely benign (4). Last evaluated 2025-12-06.

Conditions:
KIF1B-related disorder. Also called: KIF1B-related condition.
Charcot-Marie-Tooth disease type 2A1. Also called: CHARCOT-MARIE-TOOTH DISEASE, AXONAL, TYPE 2A1; CHARCOT-MARIE-TOOTH DISEASE, AXONAL, AUTOSOMAL DOMINANT, TYPE 2A1; CHARCOT-MARIE-TOOTH DISEASE, NEURONAL, TYPE 2A1; CHARCOT-MARIE-TOOTH NEUROPATHY, TYPE 2A1; HEREDITARY MOTOR AND SENSORY NEUROPATHY IIA1. Identifiers: Orphanet 99946, MedGen C1861678, MONDO:0007308, OMIM 118210.
Neuroblastoma, susceptibility to, 1. Identifiers: MedGen C2749485, MONDO:0009741, OMIM 256700.
Charcot-Marie-Tooth disease type 2. Also called: Charcot-Marie-Tooth type 2. Identifiers: Orphanet 64746, MedGen C0270914, MONDO:0018993.

Allele frequency attached by ClinVar (database versions not stated): gnomAD exomes 0.00004; ExAC 0.00006; gnomAD 0.00006; TOPMed 0.00006; ESP Exome Variant Server 0.00008; 1000 Genomes Project 30x 0.00016; 1000 Genomes Project 0.00020.
gnomAD v4.1: 61 of 1,614,000 alleles (0.0038%); highest among the groups gnomAD compares: Middle Eastern, 0.033%; 1 homozygote.

Submissions (7):

Labcorp Genetics (formerly Invitae), Labcorp
Classification: Uncertain significance for Charcot-Marie-Tooth disease type 2. Last evaluated: 2025-12-06. Review status: criteria provided, single submitter. Criteria: Invitae Variant Classification Sherloc (09022015). Collection method: clinical testing. Allele origin: germline.
Comment: This sequence change falls in intron 24 of the KIF1B gene. It does not directly change the encoded amino acid sequence of the KIF1B protein. It affects a nucleotide within the consensus splice site. This variant is present in population databases (rs200684032, gnomAD 0.009%). This variant has not been reported in the literature in individuals affected with KIF1B-related conditions. ClinVar contains an entry for this variant (Variation ID: 570523). Variants that disrupt the consensus splice site are a relatively common cause of aberrant splicing (PMID: 17576681, 9536098). Algorithms developed to predict the effect of sequence changes on RNA splicing suggest that this variant is not likely to affect RNA splicing. In summary, the available evidence is currently insufficient to determine the role of this variant in disease. Therefore, it has been classified as a Variant of Uncertain Significance.

CeGaT Center for Human Genetics Tuebingen
Classification: Likely benign. Last evaluated: 2025-04-01. Review status: criteria provided, single submitter. Criteria: CeGaT Center For Human Genetics Tuebingen Variant Classification Criteria Version 2. Collection method: clinical testing. Allele origin: germline. Affected: yes. Observed: 1 variant allele.
Comment: KIF1B: BP4

PreventionGenetics, part of Exact Sciences
Classification: Likely benign for KIF1B-related condition. Last evaluated: 2025-03-17. Review status: criteria provided, single submitter. Criteria: ACMG Guidelines, 2015. Collection method: clinical testing. Allele origin: germline.
Comment: This variant is classified as likely benign based on ACMG/AMP sequence variant interpretation guidelines (Richards et al. 2015 PMID: 25741868, with internal and published modifications).

Blueprint Genetics
Classification: Likely benign. Last evaluated: 2024-10-24. Review status: criteria provided, single submitter. Criteria: ACMG Guidelines, 2015. Collection method: clinical testing. Allele origin: germline.

Fulgent Genetics
Classification: Uncertain significance for Charcot-Marie-Tooth disease type 2A1; Neuroblastoma, susceptibility to, 1. Last evaluated: 2024-05-08. Review status: criteria provided, single submitter. Criteria: ACMG Guidelines, 2015. Collection method: clinical testing. Allele origin: germline.

Institute for Clinical Genetics, University Hospital TU Dresden, University Hospital TU Dresden
Classification: Uncertain significance. Last evaluated: 2021-11-03. Review status: criteria provided, single submitter. Criteria: ACMG Guidelines, 2015. Collection method: clinical testing. Allele origin: germline.

Ambry Genetics
Classification: Likely benign. Last evaluated: 2020-08-31. Review status: criteria provided, single submitter. Criteria: Ambry Variant Classification Scheme 2023. Collection method: clinical testing. Allele origin: germline.

Literature cited by the submitters: PubMed 17576681 (cited by Labcorp Genetics (formerly Invitae), Labcorp); PubMed 9536098 (cited by Labcorp Genetics (formerly Invitae), Labcorp).